The following is an entry in ClinVar:

NM_001330078.2(NRXN1):c.1688T>C (p.Ile563Thr)

Gene: NRXN1 (neurexin 1; minus strand). Cytogenetic location: 2p16.3.
Variant type: single nucleotide variant.
Coding change: c.1688T>C on transcript NM_001330078.2 (MANE Select); coding-DNA position 1688, T replaced by C.
Protein change: p.Ile563Thr; replaces isoleucine 563 with threonine.
Molecular consequence: missense variant.
Genome position (GRCh38, 1-based): chr2:50,552,658, A>G on the plus strand (T>C on the coding strand, the complement: NRXN1 is on the minus strand). VCF-style: chr2-50552658-A-G. GRCh37 (hg19) VCF-style: chr2-50779796-A-G.
Other names: p.I603T:ATA>ACA; c.1808T>C, p.Ile603Thr (NM_001135659.3); c.1664T>C, p.Ile555Thr (NM_001330077.2, NM_001330082.2, NM_001330095.2); c.1649T>C, p.Ile550Thr (NM_001330083.2, NM_001330084.2); c.1688T>C, p.Ile563Thr (NM_001330085.2, NM_001330086.2, NM_004801.6); c.1604T>C, p.Ile535Thr (NM_001330087.2, NM_001330096.2); c.1634T>C, p.Ile545Thr (NM_001330088.2); c.1685T>C, p.Ile562Thr (NM_001330093.2); and 2 more; short protein forms I603T, I535T, I550T, I559T, I563T, I545T, I555T, I562T.
Identifiers: ClinVar variation 193622 (VCV000193622.27), dbSNP rs201837579, ClinGen allele CA239187.
Genomic context (GRCh38, chr2:50,552,658, plus strand): 5'-TCTCTCTGGAAGTCCACATGATACCATTCTCCATCATTCACTTTCTTCAACAGGGCTTTT[A>G]TTTTTATAGTACCTGACCCCATGTCCAGGAGGAGGTAGAGGTGGCCATCTAGCATCTCAA-3'
Protein context (NP_001317007.1, residues 553-573): LLDMGSGTIK[Ile563Thr]KALLKKVNDG

ClinVar aggregate classification (germline): Conflicting classifications of pathogenicity. Review status: criteria provided, conflicting classifications (1 of 4 stars). 7 submissions from 7 submitters: Uncertain significance (2); Likely benign (4). 1 of the submissions does not count toward it. Last evaluated 2026-01-21.

Conditions:
Inborn genetic diseases. Identifiers: MedGen C0950123, MeSH D030342.
Pitt-Hopkins-like syndrome 2 (PTHSL2). Identifiers: Orphanet 221150, Orphanet 600663, MedGen C3280479, MONDO:0013690, OMIM 614325.
NRXN1-related disorder.

Allele frequency attached by ClinVar (database versions not stated): gnomAD 0.00007 and 0.00006; gnomAD exomes 0.00011 and 0.00058; 1000 Genomes Project 30x 0.00016; 1000 Genomes Project 0.00020; TOPMed 0.00025; ExAC 0.00047.
gnomAD v4.1: 172 of 1,613,892 alleles (0.011%); highest among the groups gnomAD compares: Admixed American, 0.28%; no homozygotes.

Submissions (7):

Labcorp Genetics (formerly Invitae), Labcorp
Classification: Likely benign for Pitt-Hopkins-like syndrome 2. Last evaluated: 2026-01-21. Review status: criteria provided, single submitter. Criteria: Invitae Variant Classification Sherloc (09022015). Collection method: clinical testing. Allele origin: germline.

ARUP Laboratories, Molecular Genetics and Genomics, ARUP Laboratories
Classification: Likely benign. Last evaluated: 2024-10-23. Review status: criteria provided, single submitter. Criteria: ARUP Molecular Germline Variant Investigation Process 2024. Collection method: clinical testing. Allele origin: germline.

GeneDx
Classification: Likely benign. Last evaluated: 2020-11-30. Review status: criteria provided, single submitter. Criteria: GeneDx Variant Classification Process June 2021. Collection method: clinical testing. Allele origin: germline. Affected: yes.

Athena Diagnostics
Classification: Uncertain significance. Last evaluated: 2017-10-18. Review status: criteria provided, single submitter. Criteria: Athena Diagnostics Criteria. Collection method: clinical testing. Allele origin: germline.

Ambry Genetics
Classification: Likely benign for Inborn genetic diseases. Last evaluated: 2017-08-31. Review status: criteria provided, single submitter. Criteria: Ambry Variant Classification Scheme 2023. Collection method: clinical testing. Allele origin: germline.

Eurofins Ntd Llc (ga)
Classification: Uncertain significance. Last evaluated: 2016-07-26. Review status: criteria provided, single submitter. Criteria: EGL Classification Definitions 2015. Collection method: clinical testing. Allele origin: germline. Observed: 3 variant alleles, 3 heterozygotes.

PreventionGenetics, part of Exact Sciences
Classification: Likely benign for NRXN1-related condition. Last evaluated: 2023-06-07. Review status: no assertion criteria provided. Collection method: clinical testing. Allele origin: germline. Not counted in ClinVar's aggregate classification.
Comment: This variant is classified as likely benign based on ACMG/AMP sequence variant interpretation guidelines (Richards et al. 2015 PMID: 25741868, with internal and published modifications).